The following is an entry in ClinVar:

ClinVar aggregate classification (germline): Uncertain significance. Review status: criteria provided, multiple submitters, no conflicts (2 of 4 stars). 5 submissions from 5 submitters: Uncertain significance (4). 1 of the submissions does not count toward it. Last evaluated 2025-09-15.

Conditions:
Inborn genetic diseases. Identifiers: MedGen C0950123, MeSH D030342.
Acyl-CoA dehydrogenase 9 deficiency. Also called: Acyl-CoA dehydrogenase family, member 9, deficiency of; MITOCHONDRIAL COMPLEX I DEFICIENCY, NUCLEAR TYPE 20. Identifiers: Orphanet 99901, MedGen C4747517, MONDO:0012624, OMIM 611126.

Allele frequency attached by ClinVar (database versions not stated): ExAC 0.00001; gnomAD 0.00002; gnomAD exomes 0.00002; TOPMed 0.00002.

Submissions (5):

Labcorp Genetics (formerly Invitae), Labcorp
Classification: Uncertain significance. Last evaluated: 2025-09-15. Review status: criteria provided, single submitter. Criteria: Invitae Variant Classification Sherloc (09022015). Collection method: clinical testing. Allele origin: germline.
Comment: This sequence change replaces glutamic acid, which is acidic and polar, with alanine, which is neutral and non-polar, at codon 338 of the ACAD9 protein (p.Glu338Ala). This variant is present in population databases (rs760934225, gnomAD 0.003%). This variant has not been reported in the literature in individuals affected with ACAD9-related conditions. ClinVar contains an entry for this variant (Variation ID: 214000). Invitae Evidence Modeling of protein sequence and biophysical properties (such as structural, functional, and spatial information, amino acid conservation, physicochemical variation, residue mobility, and thermodynamic stability) indicates that this missense variant is not expected to disrupt ACAD9 protein function with a negative predictive value of 80%. In summary, the available evidence is currently insufficient to determine the role of this variant in disease. Therefore, it has been classified as a Variant of Uncertain Significance.

Ambry Genetics
Classification: Uncertain significance for Inborn genetic diseases. Last evaluated: 2025-03-05. Review status: criteria provided, single submitter. Criteria: Ambry Variant Classification Scheme 2023. Collection method: clinical testing. Allele origin: germline.

Blueprint Genetics
Classification: Uncertain significance. Last evaluated: 2024-01-19. Review status: criteria provided, single submitter. Criteria: ACMG Guidelines, 2015. Collection method: clinical testing. Allele origin: germline.

GeneDx
Classification: Uncertain significance. Last evaluated: 2018-03-15. Review status: criteria provided, single submitter. Criteria: GeneDx Variant Classification (06012015). Collection method: clinical testing. Allele origin: germline. Affected: yes.
Comment: p.Glu338Ala (GAA>GCA): c.1013 A>C in exon 10 of the ACAD9 gene (NM_014049.4). The E338A missense substitution has not been published as a mutation, nor has it been reported as a benign polymorphism to our knowledge. The amino acid change is non-conservative as a large, negatively charged Glutamic Acid residue is replaced by a small, uncharged Glycine residue. This change occurs at a highly conserved position in the ACAD9 protein. However, in-silico analyses are inconsistent in their predictions of whether or not E338A is damaging to the ACAD9 protein. Therefore, based on the currently available information, it is unclear whether E338A is a disease-causing mutation or a rare benign variant. The variant is found in MITONUC-MITOP panel(s).

Natera, Inc.
Classification: Uncertain significance for ACAD9 deficiency. Last evaluated: 2019-10-28. Review status: no assertion criteria provided. Collection method: clinical testing. Allele origin: germline. Not counted in ClinVar's aggregate classification.

NM_014049.5(ACAD9):c.1013A>C (p.Glu338Ala)

Gene: ACAD9 (acyl-CoA dehydrogenase family member 9; plus strand). Cytogenetic location: 3q21.3.
Variant type: single nucleotide variant.
Coding change: c.1013A>C on transcript NM_014049.5 (MANE Select); coding-DNA position 1013, A replaced by C.
Protein change: p.Glu338Ala; replaces glutamic acid 338 with alanine.
Molecular consequence: missense variant. On other transcripts: non-coding transcript variant (1).
Genome position (GRCh38, 1-based): chr3:128,904,116, A>C. VCF-style: chr3-128904116-A-C. GRCh37 (hg19) VCF-style: chr3-128622959-A-C.
Other names: p.E338A:GAA>GCA; short protein forms E338A.
Identifiers: ClinVar variation 214000 (VCV000214000.8), dbSNP rs760934225, ClinGen allele CA321598.